The following is an entry in ClinVar:

NM_015102.5(NPHP4):c.2426A>T (p.Lys809Met)

Gene: NPHP4 (nephrocystin 4; minus strand). Cytogenetic location: 1p36.31.
Variant type: single nucleotide variant.
Coding change: c.2426A>T on transcript NM_015102.5 (MANE Select); coding-DNA position 2426, A replaced by T.
Protein change: p.Lys809Met; replaces lysine 809 with methionine.
Molecular consequence: missense variant. On other transcripts: non-coding transcript variant (1).
Genome position (GRCh38, 1-based): chr1:5,887,345, T>A on the plus strand (A>T on the coding strand, the complement: NPHP4 is on the minus strand). VCF-style: chr1-5887345-T-A. GRCh37 (hg19) VCF-style: chr1-5947405-T-A.
Other names: c.887A>T, p.Lys296Met (NM_001291593.2); c.890A>T, p.Lys297Met (NM_001291594.2); short protein forms K296M, K297M, K809M.
Identifiers: ClinVar variation 1020069 (VCV001020069.8), dbSNP rs747951355, ClinGen allele CA554128.

ClinVar aggregate classification (germline): Uncertain significance (1 of 4 stars; one submission).

Conditions:
Nephronophthisis. Also called: Juvenile Nephronophthisis. Identifiers: Orphanet 655, MedGen C0687120, MONDO:0019005, HP:0000090.

Allele frequency attached by ClinVar (database versions not stated): TOPMed 0.00001.
gnomAD v4.1: 5 of 1,613,488 alleles (0.00031%); highest among the groups gnomAD compares: Non-Finnish European, 0.00042%; no homozygotes.

Submission:

Labcorp Genetics (formerly Invitae), Labcorp
Classification: Uncertain significance for Nephronophthisis. Last evaluated: 2022-02-09. Review status: criteria provided, single submitter. Criteria: Invitae Variant Classification Sherloc (09022015). Collection method: clinical testing. Allele origin: germline.
Comment: In summary, the available evidence is currently insufficient to determine the role of this variant in disease. Therefore, it has been classified as a Variant of Uncertain Significance. Algorithms developed to predict the effect of missense changes on protein structure and function are either unavailable or do not agree on the potential impact of this missense change (SIFT: "Deleterious"; PolyPhen-2: "Probably Damaging"; Align-GVGD: "Class C0"). ClinVar contains an entry for this variant (Variation ID: 1020069). This variant has not been reported in the literature in individuals affected with NPHP4-related conditions. This variant is present in population databases (rs747951355, gnomAD 0.0009%). This sequence change replaces lysine, which is basic and polar, with methionine, which is neutral and non-polar, at codon 809 of the NPHP4 protein (p.Lys809Met).